The following is an entry in ClinVar:

NM_021147.5(CCNO):c.398G>T (p.Arg133Leu)

Gene: CCNO (cyclin O; minus strand). Cytogenetic location: 5q11.2.
Variant type: single nucleotide variant.
Coding change: c.398G>T on transcript NM_021147.5 (MANE Select); coding-DNA position 398, G replaced by T.
Protein change: p.Arg133Leu; replaces arginine 133 with leucine.
Molecular consequence: missense variant. On other transcripts: non-coding transcript variant (3).
Genome position (GRCh38, 1-based): chr5:55,232,530, C>A on the plus strand (G>T on the coding strand, the complement: CCNO is on the minus strand). VCF-style: chr5-55232530-C-A. GRCh37 (hg19) VCF-style: chr5-54528358-C-A.
Other names: short protein forms R133L.
Identifiers: ClinVar variation 454917 (VCV000454917.2), dbSNP rs1554020012, ClinGen allele CA359723597.

ClinVar aggregate classification (germline): Uncertain significance. Review status: criteria provided, multiple submitters, no conflicts (2 of 4 stars). 3 submissions from 2 submitters: Uncertain significance (3). Last evaluated 2026-07-01.

Conditions:
Primary ciliary dyskinesia 29. Also called: CILIARY DYSKINESIA, PRIMARY, 29, WITHOUT SITUS INVERSUS. Identifiers: Orphanet 244, MedGen C4014534, MONDO:0014378, OMIM 615872.
Rutland ciliary disorientation syndrome. Also called: Ciliary discoordination due to random ciliary orientation. Identifiers: Orphanet 244, MedGen C0340038, MONDO:0008984, OMIM 215518.
Primary ciliary dyskinesia. Also called: Ciliary dyskinesia. Identifiers: Orphanet 244, MedGen C0008780, MONDO:0016575, HP:0012265.

Allele frequency attached by ClinVar (database versions not stated): gnomAD exomes below 0.00001.
gnomAD v4.1: 1 of 1,613,420 alleles (0.000062%); highest among the groups gnomAD compares: South Asian, 0.0011%; no homozygotes.

Submissions (3):

Institute of Human Genetics, University of Leipzig Medical Center
Classification: Uncertain significance for Rutland ciliary disorientation syndrome. Last evaluated: 2026-07-01. Review status: criteria provided, single submitter. Criteria: ACMG Guidelines, 2015. Collection method: clinical testing. Allele origin: unknown. Inheritance: Autosomal recessive inheritance. Affected: yes.
Comment: Criteria applied: PM2,PP3

Institute of Human Genetics, University of Leipzig Medical Center
Classification: Uncertain significance for Primary ciliary dyskinesia 29. Last evaluated: 2026-07-01. Review status: criteria provided, single submitter. Criteria: ACMG Guidelines, 2015. Collection method: clinical testing. Allele origin: unknown. Inheritance: Autosomal recessive inheritance. Affected: yes.
Comment: the same text as in the submission from Institute of Human Genetics, University of Leipzig Medical Center above.

Labcorp Genetics (formerly Invitae), Labcorp
Classification: Uncertain significance for Primary ciliary dyskinesia. Last evaluated: 2017-08-03. Review status: criteria provided, single submitter. Criteria: Invitae Variant Classification Sherloc (09022015). Collection method: clinical testing. Allele origin: germline.
Comment: This sequence change replaces arginine with leucine at codon 133 of the CCNO protein (p.Arg133Leu). The arginine residue is highly conserved and there is a moderate physicochemical difference between arginine and leucine. This variant is not present in population databases (ExAC no frequency). This variant has not been reported in the literature in individuals with CCNO-related disease. Algorithms developed to predict the effect of missense changes on protein structure and function do not agree on the potential impact of this missense change (SIFT: "Tolerated"; PolyPhen-2: "Probably Damaging"; Align-GVGD: "Class C0"). In summary, the available evidence is currently insufficient to determine the role of this variant in disease. Therefore, it has been classified as a Variant of Uncertain Significance.